The following is an entry in ClinVar:

NM_144499.3(GNAT1):c.*1427A>G

Gene: GNAT1 (G protein subunit alpha transducin 1; plus strand). Cytogenetic location: 3p21.31.
Variant type: single nucleotide variant.
Coding change: c.*1427A>G on transcript NM_144499.3 (MANE Select); 1427 bases downstream of the stop codon, A replaced by G.
Molecular consequence: 3 prime UTR variant.
Genome position (GRCh38, 1-based): chr3:50,196,693, A>G. VCF-style: chr3-50196693-A-G. GRCh37 (hg19) VCF-style: chr3-50234126-A-G.
Other names: c.*293A>G (NM_000172.4).
Identifiers: ClinVar variation 346070 (VCV000346070.5), dbSNP rs34877766, ClinGen allele CA10616983.

ClinVar aggregate classification (germline): Benign (1 of 4 stars; one submission).

Conditions:
Congenital stationary night blindness autosomal dominant 3. Also called: NIGHT BLINDNESS, CONGENITAL STATIONARY, NOUGARET TYPE. Identifiers: Orphanet 215, MedGen C1864870, MONDO:0012497, OMIM 610444.

Allele frequency attached by ClinVar (database versions not stated): gnomAD 0.55013 and 0.55827; TOPMed 0.58629; 1000 Genomes Project 0.59385; 1000 Genomes Project 30x 0.59510.
gnomAD v4.1: 83,473 of 151,882 alleles (55%); highest among the groups gnomAD compares: East Asian, 75%; 24,550 homozygotes.

Submission:

Illumina Laboratory Services, Illumina
Classification: Benign for Congenital stationary night blindness autosomal dominant 3. Last evaluated: 2018-01-12. Review status: criteria provided, single submitter. Criteria: ICSL Variant Classification Criteria 13 December 2019. Collection method: clinical testing. Allele origin: germline.
Comment: This variant was observed in the ICSL laboratory as part of a predisposition screen in an ostensibly healthy population. It had not been previously curated by ICSL or reported in the Human Gene Mutation Database (HGMD: prior to June 1st, 2018), and was therefore a candidate for classification through an automated scoring system. Utilizing variant allele frequency, disease prevalence and penetrance estimates, and inheritance mode, an automated score was calculated to assess if this variant is too frequent to cause the disease. Based on the score and internal cut-off values, a variant classified as benign is not then subjected to further curation. The score for this variant resulted in a classification of benign for this disease.